The following is an entry in ClinVar:

ClinVar aggregate classification (germline): Benign. Review status: criteria provided, multiple submitters, no conflicts (2 of 4 stars). 4 submissions from 2 submitters: Benign (4). Last evaluated 2018-01-13.

Conditions:
Paroxysmal extreme pain disorder (PEXPD). Also called: PAIN, SUBMANDIBULAR, OCULAR, AND RECTAL, WITH FLUSHING; RECTAL PAIN, FAMILIAL; SCN9A Paroxysmal Extreme Pain Disorder (SCN9A-PEPD). Identifiers: Orphanet 46348, MedGen C1833661, MONDO:0008179, OMIM 167400.
Channelopathy-associated congenital insensitivity to pain, autosomal recessive. Also called: Insensitivity to pain, channelopathy-associated; ASYMBOLIA FOR PAIN; CONGENITAL ANALGESIA, AUTOSOMAL RECESSIVE. Identifiers: Orphanet 88642, Orphanet 970, MedGen C1855739, MONDO:0009459, OMIM 243000.
Primary erythromelalgia. Also called: SCN9A Erythromelalgia (SCN9A-EM); primary erythermalgia. Identifiers: Orphanet 306577, Orphanet 90026, MedGen C0014805, MONDO:0007571, OMIM 133020.

Allele frequency attached by ClinVar (database versions not stated): 1000 Genomes Project 30x 0.41552; 1000 Genomes Project 0.42232; TOPMed 0.42349; gnomAD 0.43246 and 0.43325.

Submissions (4):

Illumina Laboratory Services, Illumina
Classification: Benign for Paroxysmal extreme pain disorder. Last evaluated: 2018-01-13. Review status: criteria provided, single submitter. Criteria: ICSL Variant Classification Criteria 13 December 2019. Collection method: clinical testing. Allele origin: germline.
Comment: This variant was observed in the ICSL laboratory as part of a predisposition screen in an ostensibly healthy population. It had not been previously curated by ICSL or reported in the Human Gene Mutation Database (HGMD: prior to June 1st, 2018), and was therefore a candidate for classification through an automated scoring system. Utilizing variant allele frequency, disease prevalence and penetrance estimates, and inheritance mode, an automated score was calculated to assess if this variant is too frequent to cause the disease. Based on the score and internal cut-off values, a variant classified as benign is not then subjected to further curation. The score for this variant resulted in a classification of benign for this disease.

Illumina Laboratory Services, Illumina
Classification: Benign for Channelopathy-associated congenital insensitivity to pain, autosomal recessive. Last evaluated: 2018-01-13. Review status: criteria provided, single submitter. Criteria: ICSL Variant Classification Criteria 13 December 2019. Collection method: clinical testing. Allele origin: germline.
Comment: the same text as in the submission from Illumina Laboratory Services, Illumina above.

Illumina Laboratory Services, Illumina
Classification: Benign for Primary erythromelalgia. Last evaluated: 2018-01-13. Review status: criteria provided, single submitter. Criteria: ICSL Variant Classification Criteria 13 December 2019. Collection method: clinical testing. Allele origin: germline.
Comment: the same text as in the submission from Illumina Laboratory Services, Illumina above.

Breakthrough Genomics
Classification: Benign. Review status: criteria provided, single submitter. Criteria: ACMG Guidelines, 2015. Collection method: not provided. Allele origin: germline. Inheritance: Autosomal recessive inheritance. Affected: yes.

NM_001365536.1(SCN9A):c.*2640G>A

Genes: SCN1A-AS1 (SCN1A and SCN9A antisense RNA 1; plus strand), SCN9A (sodium voltage-gated channel alpha subunit 9; minus strand). Cytogenetic location: 2q24.3.
Variant type: single nucleotide variant.
Coding change: c.*2640G>A on transcript NM_001365536.1 (MANE Select); 2640 bases downstream of the stop codon, G replaced by A.
Molecular consequence: 3 prime UTR variant.
Genome position (GRCh38, 1-based): chr2:166,196,032, C>T on the plus strand (G>A on the coding strand, the complement: SCN9A is on the minus strand). VCF-style: chr2-166196032-C-T. GRCh37 (hg19) VCF-style: chr2-167052542-C-T.
Other names: c.*2640G>A (NM_002977.4).
Identifiers: ClinVar variation 331907 (VCV000331907.7), dbSNP rs13396526, ClinGen allele CA10612500.
Genomic context (GRCh38, chr2:166,196,032, plus strand): 5'-CAGAGTTGAGGCTGCAGAGAGCTATGATCATGCCATTGCACTCTAGCCTGGGTGACAGAG[C>T]GAGACCTGGTCACTTAAAAAAGTTTTTAGAAAACCTGTTTGCTTCCATTTTATTCTAAGT-3'